The following is an entry in ClinVar:

NM_002693.3(POLG):c.1390dup (p.Met464fs)

Gene: POLG (DNA polymerase gamma, catalytic subunit; minus strand). Cytogenetic location: 15q26.1.
Variant type: Duplication.
Coding change: c.1390dup on transcript NM_002693.3 (MANE Select); coding-DNA position 1390, one base duplicated (A; older notation c.1390dupA).
Protein change: p.Met464fs; shifts the reading frame from methionine 464.
Molecular consequence: frameshift variant.
Genome position (GRCh38, 1-based): chr15:89,327,210, T duplicated on the plus strand (A on the coding strand, the reverse complement: POLG is on the minus strand). VCF-style (leftmost placement, unchanged base first): chr15-89327209-A-AT. GRCh37 (hg19) VCF-style: chr15-89870440-A-AT.
Other names: c.1390dup, p.Met464fs (NM_001126131.2); short protein forms M464fs.
Identifiers: ClinVar variation 2763439 (VCV002763439.3), dbSNP rs2509255999, ClinGen allele CA2697549340.

ClinVar aggregate classification (germline): Pathogenic (1 of 4 stars; one submission).

Conditions:
Progressive sclerosing poliodystrophy (MTDPS4A). Also called: ALPERS PROGRESSIVE INFANTILE POLIODYSTROPHY; NEURONAL DEGENERATION OF CHILDHOOD WITH LIVER DISEASE, PROGRESSIVE; Alpers Syndrome; ALPERS DIFFUSE DEGENERATION OF CEREBRAL GRAY MATTER WITH HEPATIC CIRRHOSIS; Alpers-Huttenlocher Syndrome; Mitochondrial DNA depletion syndrome 4A (Alpers type). Identifiers: Orphanet 726, MedGen C0205710, MONDO:0008758, OMIM 203700.

Submission:

Labcorp Genetics (formerly Invitae), Labcorp
Classification: Pathogenic for Progressive sclerosing poliodystrophy. Last evaluated: 2023-09-26. Review status: criteria provided, single submitter. Criteria: Invitae Variant Classification Sherloc (09022015). Collection method: clinical testing. Allele origin: germline.
Comment: For these reasons, this variant has been classified as Pathogenic. This variant has not been reported in the literature in individuals affected with POLG-related conditions. This variant is not present in population databases (gnomAD no frequency). This sequence change creates a premature translational stop signal (p.Met464Asnfs*6) in the POLG gene. It is expected to result in an absent or disrupted protein product. Loss-of-function variants in POLG are known to be pathogenic (PMID: 18546365).

Literature cited by the submitters: PubMed 18546365.